The following is an entry in ClinVar:

NM_014714.4(IFT140):c.2016C>G (p.Ser672=)

Gene: IFT140 (intraflagellar transport 140; minus strand). Cytogenetic location: 16p13.3.
Variant type: single nucleotide variant.
Coding change: c.2016C>G on transcript NM_014714.4 (MANE Select); coding-DNA position 2016, C replaced by G.
Protein change: p.Ser672=; no amino-acid change (serine 672 retained).
Molecular consequence: synonymous variant.
Genome position (GRCh38, 1-based): chr16:1,564,048, G>C on the plus strand (C>G on the coding strand, the complement: IFT140 is on the minus strand). VCF-style: chr16-1564048-G-C. GRCh37 (hg19) VCF-style: chr16-1614049-G-C.
Other names: c.2016C>G (NM_014714.3).
Identifiers: ClinVar variation 2976642 (VCV002976642.5), dbSNP rs374253461, ClinGen allele CA7814046.

ClinVar aggregate classification (germline): Likely benign. Review status: criteria provided, multiple submitters, no conflicts (2 of 4 stars). 3 submissions from 3 submitters: Likely benign (3). Last evaluated 2025-03-24.

Conditions:
IFT140-related disorder. Also called: IFT140-related condition.
Saldino-Mainzer syndrome (SRTD9). Also called: SHORT-RIB THORACIC DYSPLASIA 9 WITHOUT POLYDACTYLY; short-rib thoracic dysplasia 9 with or without polydactyly; Renal dysplasia, retinal pigmentary dystrophy, cerebellar ataxia and skeletal dysplasia; CONORENAL SYNDROME. Identifiers: Orphanet 140969, MedGen C1849437, MONDO:0009964, OMIM 266920.

Allele frequency attached by ClinVar (database versions not stated): gnomAD exomes below 0.00001; ExAC 0.00001; TOPMed 0.00003; gnomAD 0.00004; ESP Exome Variant Server 0.00008.
gnomAD v4.1: 12 of 1,600,090 alleles (0.00075%); highest among the groups gnomAD compares: African/African-American, 0.0094%; no homozygotes.

Submissions (3):

PreventionGenetics, part of Exact Sciences
Classification: Likely benign for IFT140-related condition. Last evaluated: 2025-03-24. Review status: criteria provided, single submitter. Criteria: ACMG Guidelines, 2015. Collection method: clinical testing. Allele origin: germline.
Comment: This variant is classified as likely benign based on ACMG/AMP sequence variant interpretation guidelines (Richards et al. 2015 PMID: 25741868, with internal and published modifications).

Labcorp Genetics (formerly Invitae), Labcorp
Classification: Likely benign for Saldino-Mainzer syndrome. Last evaluated: 2025-02-06. Review status: criteria provided, single submitter. Criteria: Invitae Variant Classification Sherloc (09022015). Collection method: clinical testing. Allele origin: germline.

Blueprint Genetics
Classification: Likely benign. Last evaluated: 2024-02-01. Review status: criteria provided, single submitter. Criteria: ACMG Guidelines, 2015. Collection method: clinical testing. Allele origin: germline.